The following is an entry in ClinVar:

NM_005378.6(MYCN):c.258G>A (p.Glu86=)

Genes: MYCN (MYCN proto-oncogene, bHLH transcription factor; plus strand), MYCNOS (MYCN opposite strand; minus strand). Cytogenetic location: 2p24.3.
Variant type: single nucleotide variant.
Coding change: c.258G>A on transcript NM_005378.6 (MANE Select); coding-DNA position 258, G replaced by A.
Protein change: p.Glu86=; no amino-acid change (glutamic acid 86 retained).
Molecular consequence: synonymous variant. On other transcripts: non-coding transcript variant (1), 3 prime UTR variant (1), intron variant (1).
Genome position (GRCh38, 1-based): chr2:15,942,322, G>A. VCF-style: chr2-15942322-G-A. GRCh37 (hg19) VCF-style: chr2-16082444-G-A.
Other names: c.258G>A, p.Glu86= (NM_001293228.2); c.*193G>A (NM_001293233.2); c.157+1579G>A (NM_001293231.2).
Identifiers: ClinVar variation 2966893 (VCV002966893.5), dbSNP rs769401203, ClinGen allele CA1538150.

ClinVar aggregate classification (germline): Likely benign. Review status: criteria provided, multiple submitters, no conflicts (2 of 4 stars). 3 submissions from 3 submitters: Likely benign (3). Last evaluated 2026-07-01.

gnomAD v4.1: 14 of 1,608,614 alleles (0.00087%); highest among the groups gnomAD compares: Non-Finnish European, 0.001%; no homozygotes.

Submissions (3):

CeGaT Center for Human Genetics Tuebingen
Classification: Likely benign. Last evaluated: 2026-07-01. Review status: criteria provided, single submitter. Criteria: CeGaT Center For Human Genetics Tuebingen Variant Classification Criteria Version 2. Collection method: clinical testing. Allele origin: germline. Affected: yes. Observed: 1 variant allele.
Comment: MYCN: BP4, BP7

Labcorp Genetics (formerly Invitae), Labcorp
Classification: Likely benign. Last evaluated: 2025-04-08. Review status: criteria provided, single submitter. Criteria: Invitae Variant Classification Sherloc (09022015). Collection method: clinical testing. Allele origin: germline.

Blueprint Genetics
Classification: Likely benign. Last evaluated: 2021-03-06. Review status: criteria provided, single submitter. Criteria: ACMG Guidelines, 2015. Collection method: clinical testing. Allele origin: germline.